The following is an entry in ClinVar:

NM_004813.4(PEX16):c.148+7C>T

Gene: PEX16 (peroxisomal biogenesis factor 16; minus strand). Cytogenetic location: 11p11.2.
Variant type: single nucleotide variant.
Coding change: c.148+7C>T on transcript NM_004813.4 (MANE Select); 7 bases into the intron after coding-DNA position 148, C replaced by T.
Molecular consequence: intron variant.
Genome position (GRCh38, 1-based): chr11:45,917,451, G>A on the plus strand (C>T on the coding strand, the complement: PEX16 is on the minus strand). VCF-style: chr11-45917451-G-A. GRCh37 (hg19) VCF-style: chr11-45939002-G-A.
Other names: c.148+7C>T (NM_057174.3).
Identifiers: ClinVar variation 738979 (VCV000738979.13), dbSNP rs1001236613, ClinGen allele CA221592366.

ClinVar aggregate classification (germline): Likely benign. Review status: criteria provided, single submitter (1 of 4 stars). 2 submissions from 2 submitters: Likely benign (1). 1 of the submissions does not count toward it. Last evaluated 2025-10-09.

Conditions:
PEX16-related disorder. Also called: PEX16-related condition.
Peroxisome biogenesis disorder. Identifiers: Orphanet 79189, MedGen C1832200, MONDO:0019234. Disease mechanism: loss of function.

Allele frequency attached by ClinVar (database versions not stated): gnomAD 0.00001; gnomAD exomes 0.00001; TOPMed 0.00001.

Submissions (2):

Labcorp Genetics (formerly Invitae), Labcorp
Classification: Likely benign for Peroxisome biogenesis disorder. Last evaluated: 2025-10-09. Review status: criteria provided, single submitter. Criteria: Invitae Variant Classification Sherloc (09022015). Collection method: clinical testing. Allele origin: germline.

PreventionGenetics, part of Exact Sciences
Classification: Likely benign for PEX16-related condition. Last evaluated: 2022-08-16. Review status: no assertion criteria provided. Collection method: clinical testing. Allele origin: germline. Not counted in ClinVar's aggregate classification.
Comment: This variant is classified as likely benign based on ACMG/AMP sequence variant interpretation guidelines (Richards et al. 2015 PMID: 25741868, with internal and published modifications).